The following is an entry in ClinVar:

ClinVar aggregate classification (germline): Benign (1 of 4 stars; one submission).

Allele frequency attached by ClinVar (database versions not stated): TOPMed 0.21063; gnomAD 0.21167; 1000 Genomes Project 30x 0.23767; 1000 Genomes Project 0.24397; gnomAD exomes 0.26333.
gnomAD v4.1: 98,101 of 394,601 alleles (25%); highest among the groups gnomAD compares: South Asian, 42%; 8,347 homozygotes.

Submission:

Unidad de Genómica Garrahan, Hospital de Pediatría Garrahan
Classification: Benign. Last evaluated: 2023-11-12. Review status: criteria provided, single submitter. Criteria: ACMG Guidelines, 2015. Collection method: clinical testing. Allele origin: germline. Affected: no. Observed: 27 variant alleles.
Comment: This variant is classified as Benign based on local population frequency. This variant was detected in 28% of patients studied by a panel of primary immunodeficiencies. Number of patients: 27. Only high quality variants are reported.

NM_001330360.2(POLA1):c.3296+110A>G

Gene: POLA1 (DNA polymerase alpha 1, catalytic subunit; plus strand). Cytogenetic location: Xp22.11.
Variant type: single nucleotide variant.
Coding change: c.3296+110A>G on transcript NM_001330360.2 (MANE Select); 110 bases into the intron after coding-DNA position 3296, A replaced by G.
Molecular consequence: intron variant.
Genome position (GRCh38, 1-based): chrX:24,812,973, A>G. VCF-style: chrX-24812973-A-G. GRCh37 (hg19) VCF-style: chrX-24831090-A-G.
Other names: c.3221+110A>G (NM_001378303.1); c.3278+110A>G (NM_016937.4).
Identifiers: ClinVar variation 2628251 (VCV002628251.2), dbSNP rs5944681, ClinGen allele CA326912683.
Genomic context (GRCh38, chrX:24,812,973, plus strand): 5'-AGGTGTGAATGATGTAGAGAATGCTTATGAATCTGTCAAGCCCAAGAACACTTCTTTGTT[A>G]TTTTTATTATTCTTATTAATAAGAATTATTAATCATTCTTATTTGGAATGGAATTTTATA-3'